The following is an entry in ClinVar:

ClinVar aggregate classification (germline): Conflicting classifications of pathogenicity. Review status: criteria provided, conflicting classifications (1 of 4 stars). 7 submissions from 7 submitters: Uncertain significance (5); Likely benign (2). Last evaluated 2025-09-10.

Conditions:
Familial thoracic aortic aneurysm and aortic dissection (TAAD). Also called: Thoracic aortic aneurysms and dissections. Identifiers: Orphanet 91387, MedGen C4707243, MONDO:0019625.
Ehlers-Danlos syndrome (EDS). Identifiers: Orphanet 98249, MedGen C0013720, MONDO:0020066.
Ehlers-Danlos syndrome, kyphoscoliotic type 1 (EDSKSCL1). Also called: Ehlers-Danlos syndrome, hydroxylysine-deficient; PLOD1-Related Kyphoscoliotic Ehlers-Danlos Syndrome; EHLERS-DANLOS SYNDROME, TYPE VIA; EHLERS-DANLOS SYNDROME, OCULAR-SCOLIOTIC TYPE. Identifiers: Orphanet 1900, MedGen C0268342, MONDO:0016002, OMIM 225400. Disease mechanism: loss of function.

Allele frequency attached by ClinVar (database versions not stated): gnomAD exomes 0.00002 and 0.00009; ExAC 0.00007; gnomAD 0.00025; TOPMed 0.00029; 1000 Genomes Project 0.00060; 1000 Genomes Project 30x 0.00078.
gnomAD v4.1: 68 of 1,613,766 alleles (0.0042%); highest among the groups gnomAD compares: African/African-American, 0.076%; no homozygotes.

Submissions (8):

Labcorp Genetics (formerly Invitae), Labcorp
Classification: Likely benign for Ehlers-Danlos syndrome, kyphoscoliotic type 1. Last evaluated: 2025-09-10. Review status: criteria provided, single submitter. Criteria: Invitae Variant Classification Sherloc (09022015). Collection method: clinical testing. Allele origin: germline.

Ambry Genetics
Classification: Likely benign for Familial thoracic aortic aneurysm and aortic dissection. Last evaluated: 2024-11-27. Review status: criteria provided, single submitter. Criteria: Ambry Variant Classification Scheme 2023. Collection method: clinical testing. Allele origin: germline.

GeneDx
Classification: Uncertain significance. Last evaluated: 2024-06-16. Review status: criteria provided, single submitter. Criteria: GeneDx Variant Classification Process June 2021. Collection method: clinical testing. Allele origin: germline. Affected: yes.
Comment: In silico analysis indicates that this missense variant does not alter protein structure/function; Has not been previously published as pathogenic or benign to our knowledge

Women's Health and Genetics/Laboratory Corporation of America, LabCorp
Classification: Uncertain significance. Last evaluated: 2023-08-24. Review status: criteria provided, single submitter. Criteria: LabCorp Variant Classification Summary - May 2015. Collection method: clinical testing. Allele origin: germline.

Genome Diagnostics Laboratory, The Hospital for Sick Children
Classification: Uncertain significance for Ehlers-Danlos syndrome. Last evaluated: 2019-12-01. Review status: criteria provided, single submitter. Criteria: ACMG Guidelines, 2015. Collection method: clinical testing. Allele origin: germline.

Fulgent Genetics
Classification: Uncertain significance for Ehlers-Danlos syndrome, kyphoscoliotic type 1. Last evaluated: 2018-10-31. Review status: criteria provided, single submitter. Criteria: ACMG Guidelines, 2015. Collection method: clinical testing. Allele origin: unknown.

Eurofins Ntd Llc (ga)
Classification: Uncertain significance. Last evaluated: 2017-01-05. Review status: criteria provided, single submitter. Criteria: EGL Classification Definitions 2015. Collection method: clinical testing. Allele origin: germline. Observed: 1 variant allele, 1 heterozygote.

Dr. Peter K. Rogan Lab, Western University
No classification provided (evidence only). Condition: Thyroid cancer, nonmedullary, 1. Review status: no classification provided. Collection method: in vitro. Allele origin: not applicable. Functional consequence: retained intron. Not counted in ClinVar's aggregate classification.

NM_000302.4(PLOD1):c.1427A>G (p.Lys476Arg)

Gene: PLOD1 (procollagen-lysine,2-oxoglutarate 5-dioxygenase 1; plus strand). Cytogenetic location: 1p36.22.
Variant type: single nucleotide variant.
Coding change: c.1427A>G on transcript NM_000302.4 (MANE Select); coding-DNA position 1427, A replaced by G.
Protein change: p.Lys476Arg; replaces lysine 476 with arginine.
Molecular consequence: missense variant.
Genome position (GRCh38, 1-based): chr1:11,964,742, A>G. VCF-style: chr1-11964742-A-G. GRCh37 (hg19) VCF-style: chr1-12024799-A-G.
Other names: c.1568A>G, p.Lys523Arg (NM_001316320.2); short protein forms K476R, K523R.
Identifiers: ClinVar variation 498773 (VCV000498773.19), dbSNP rs576907642, ClinGen allele CA598384.